The following is an entry in ClinVar:

NM_014141.6(CNTNAP2):c.557A>G (p.Asp186Gly)

Gene: CNTNAP2 (contactin associated protein 2; plus strand). Cytogenetic location: 7q35.
Variant type: single nucleotide variant.
Coding change: c.557A>G on transcript NM_014141.6 (MANE Select); coding-DNA position 557, A replaced by G.
Protein change: p.Asp186Gly; replaces aspartic acid 186 with glycine.
Molecular consequence: missense variant.
Genome position (GRCh38, 1-based): chr7:147,108,153, A>G. VCF-style: chr7-147108153-A-G. GRCh37 (hg19) VCF-style: chr7-146805245-A-G.
Other names: short protein forms D186G.
Identifiers: ClinVar variation 1315920 (VCV001315920.6), dbSNP rs2129279522, ClinGen allele CA369922933.

ClinVar aggregate classification (germline): Uncertain significance. Review status: criteria provided, multiple submitters, no conflicts (2 of 4 stars). 2 submissions from 2 submitters: Uncertain significance (2). Last evaluated 2022-06-23.

Conditions:
Cortical dysplasia-focal epilepsy syndrome (PTHSL1). Also called: Pitt-Hopkins-like syndrome 1. Identifiers: Orphanet 163681, Orphanet 221150, MedGen C2750246, MONDO:0012400, OMIM 610042.

Allele frequency attached by ClinVar (database versions not stated): gnomAD exomes 0.00001.
gnomAD v4.1: 14 of 1,612,986 alleles (0.00087%); highest among the groups gnomAD compares: Non-Finnish European, 0.0012%; no homozygotes.

Submissions (2):

Labcorp Genetics (formerly Invitae), Labcorp
Classification: Uncertain significance for Cortical dysplasia-focal epilepsy syndrome. Last evaluated: 2022-06-23. Review status: criteria provided, single submitter. Criteria: Invitae Variant Classification Sherloc (09022015). Collection method: clinical testing. Allele origin: germline.
Comment: This sequence change replaces aspartic acid, which is acidic and polar, with glycine, which is neutral and non-polar, at codon 186 of the CNTNAP2 protein (p.Asp186Gly). This variant is not present in population databases (gnomAD no frequency). This variant has not been reported in the literature in individuals affected with CNTNAP2-related conditions. ClinVar contains an entry for this variant (Variation ID: 1315920). Algorithms developed to predict the effect of missense changes on protein structure and function are either unavailable or do not agree on the potential impact of this missense change (SIFT: "Deleterious"; PolyPhen-2: "Benign"; Align-GVGD: "Class C0"). In summary, the available evidence is currently insufficient to determine the role of this variant in disease. Therefore, it has been classified as a Variant of Uncertain Significance.

GeneDx
Classification: Uncertain significance. Last evaluated: 2019-11-04. Review status: criteria provided, single submitter. Criteria: GeneDx Variant Classification Process June 2021. Collection method: clinical testing. Allele origin: germline. Affected: yes.
Comment: Not observed in large population cohorts (Lek et al., 2016); In silico analysis, which includes protein predictors and evolutionary conservation, supports a deleterious effect; Has not been previously published as pathogenic or benign to our knowledge